The following is an entry in ClinVar:

NM_198578.4(LRRK2):c.605A>T (p.Asn202Ile)

Gene: LRRK2 (leucine rich repeat kinase 2; plus strand). Cytogenetic location: 12q12.
Variant type: single nucleotide variant.
Coding change: c.605A>T on transcript NM_198578.4 (MANE Select); coding-DNA position 605, A replaced by T.
Protein change: p.Asn202Ile; replaces asparagine 202 with isoleucine.
Molecular consequence: missense variant.
Genome position (GRCh38, 1-based): chr12:40,240,516, A>T. VCF-style: chr12-40240516-A-T. GRCh37 (hg19) VCF-style: chr12-40634318-A-T.
Other names: short protein forms N202I.
Identifiers: ClinVar variation 3229722 (VCV003229722.1), dbSNP rs377550083, ClinGen allele CA384404619.

ClinVar aggregate classification (germline): Uncertain significance (1 of 4 stars; one submission).

Conditions:
Inborn genetic diseases. Identifiers: MedGen C0950123, MeSH D030342.

Submission:

Ambry Genetics
Classification: Uncertain significance for Inborn genetic diseases. Last evaluated: 2024-01-01. Review status: criteria provided, single submitter. Criteria: Ambry Variant Classification Scheme 2023. Collection method: clinical testing. Allele origin: germline.
Comment: The p.N202I variant (also known as c.605A>T), located in coding exon 6 of the LRRK2 gene, results from an A to T substitution at nucleotide position 605. The asparagine at codon 202 is replaced by isoleucine, an amino acid with dissimilar properties. This amino acid position is conserved. In addition, this alteration is predicted to be tolerated by in silico analysis. Since supporting evidence is limited at this time, the clinical significance of this alteration remains unclear.